The following is an entry in ClinVar:

ClinVar aggregate classification (germline): Likely benign (1 of 4 stars; one submission).

gnomAD v4.1: 44 of 1,563,302 alleles (0.0028%); highest among the groups gnomAD compares: East Asian, 0.027%; 1 homozygote.

Submission:

Center for Genomic Medicine, Rigshospitalet, Copenhagen University Hospital
Classification: Likely benign. Last evaluated: 2025-03-04. Review status: criteria provided, single submitter. Criteria: ACMG Guidelines, 2015. Collection method: clinical testing. Allele origin: germline.
Comment: Classification criteria: BP4

NM_000051.4(ATM):c.8672-22T>G

Genes: ATM (ATM serine/threonine kinase; plus strand), C11orf65 (chromosome 11 open reading frame 65; minus strand). Cytogenetic location: 11q22.3.
Variant type: single nucleotide variant.
Coding change: c.8672-22T>G on transcript NM_000051.4 (MANE Select); 22 bases into the intron before coding-DNA position 8672, T replaced by G.
Molecular consequence: intron variant.
Genome position (GRCh38, 1-based): chr11:108,353,744, T>G. VCF-style: chr11-108353744-T-G. GRCh37 (hg19) VCF-style: chr11-108224471-T-G.
Other names: c.8672-22T>G (NM_001351834.2); c.640+32176A>C (NM_001330368.2); c.695-18452A>C (NM_001351110.2).
Identifiers: ClinVar variation 3765158 (VCV003765158.1).